The following is an entry in ClinVar:

ClinVar aggregate classification (germline): Pathogenic (1 of 4 stars; one submission).

Conditions:
Hereditary breast ovarian cancer syndrome. Also called: Hereditary breast and ovarian cancer; Breast and ovarian cancer; Hereditary breast and ovarian cancer syndrome; BRCA1- and BRCA2-Associated Hereditary Breast and Ovarian Cancer; Hereditary breast and/or ovarian cancer syndrome; Hereditary breast and ovarian cancer syndrome (HBOC). Identifiers: Orphanet 145, MedGen C0677776, MeSH D061325, MONDO:0003582. Disease mechanism: loss of function.

Submission:

Labcorp Genetics (formerly Invitae), Labcorp
Classification: Pathogenic for Hereditary breast ovarian cancer syndrome. Last evaluated: 2020-07-30. Review status: criteria provided, single submitter. Criteria: Invitae Variant Classification Sherloc (09022015). Collection method: clinical testing. Allele origin: germline.
Comment: For these reasons, this variant has been classified as Pathogenic. Loss-of-function variants in BRCA2 are known to be pathogenic (PMID: 20104584). This variant has not been reported in the literature in individuals with BRCA2-related conditions. ClinVar contains an entry for this variant (Variation ID: 575958). This variant is not present in population databases (ExAC no frequency). This sequence change creates a premature translational stop signal (p.Lys1678Asnfs*10) in the BRCA2 gene. It is expected to result in an absent or disrupted protein product.

Literature cited by the submitters: PubMed 20104584.

NM_000059.4(BRCA2):c.5034_5035del (p.Lys1678fs)

Gene: BRCA2 (BRCA2 DNA repair associated; plus strand). Cytogenetic location: 13q13.1.
Variant type: Deletion.
Coding change: c.5034_5035del on transcript NM_000059.4 (MANE Select); coding-DNA positions 5034 to 5035, 2 bases deleted (AA; older notation c.5034_5035delAA).
Protein change: p.Lys1678fs; shifts the reading frame from lysine 1678.
Molecular consequence: frameshift variant.
Genome position (GRCh38, 1-based): chr13:32,339,389-32,339,390, AA deleted; deleting any 2 consecutive bases within chr13:32,339,386-32,339,390 gives the same sequence; the c. name uses the placement nearest the transcript's 3' end. VCF-style (leftmost placement, unchanged base first): chr13-32339385-GAA-G. GRCh37 (hg19) VCF-style: chr13-32913522-GAA-G.
Other names: c.5034_5035delAA (NM_000059.3); short protein forms K1678fs.
Identifiers: ClinVar variation 575958 (VCV000575958.8), dbSNP rs80359477, ClinGen allele CA891844232.